The following is an entry in ClinVar:

ClinVar aggregate classification (germline): Uncertain significance (1 of 4 stars; one submission).

Conditions:
MOGS-congenital disorder of glycosylation. Also called: GLUCOSIDASE I DEFICIENCY; CDG IIb; MOGS-CDG; CDG 2B. Identifiers: Orphanet 79330, MedGen C1853736, MONDO:0011629, OMIM 606056.

Allele frequency attached by ClinVar (database versions not stated): ExAC 0.00001; gnomAD exomes 0.00001; gnomAD 0.00004 and 0.00006; TOPMed 0.00008.

Submission:

Labcorp Genetics (formerly Invitae), Labcorp
Classification: Uncertain significance for MOGS-congenital disorder of glycosylation. Last evaluated: 2020-02-20. Review status: criteria provided, single submitter. Criteria: Invitae Variant Classification Sherloc (09022015). Collection method: clinical testing. Allele origin: germline.
Comment: In summary, the available evidence is currently insufficient to determine the role of this variant in disease. Therefore, it has been classified as a Variant of Uncertain Significance. Algorithms developed to predict the effect of missense changes on protein structure and function are either unavailable or do not agree on the potential impact of this missense change (SIFT: "Deleterious"; PolyPhen-2: "Benign"; Align-GVGD: "Class C0"). This variant has not been reported in the literature in individuals with MOGS-related conditions. This variant is present in population databases (rs750125568, ExAC 0.01%). This sequence change replaces glutamine with glutamic acid at codon 388 of the MOGS protein (p.Gln388Glu). The glutamine residue is moderately conserved and there is a small physicochemical difference between glutamine and glutamic acid.

NM_006302.3(MOGS):c.1162C>G (p.Gln388Glu)

Gene: MOGS (mannosyl-oligosaccharide glucosidase; minus strand). Cytogenetic location: 2p13.1.
Variant type: single nucleotide variant.
Coding change: c.1162C>G on transcript NM_006302.3 (MANE Select); coding-DNA position 1162, C replaced by G.
Protein change: p.Gln388Glu; replaces glutamine 388 with glutamic acid.
Molecular consequence: missense variant.
Genome position (GRCh38, 1-based): chr2:74,462,627, G>C on the plus strand (C>G on the coding strand, the complement: MOGS is on the minus strand). VCF-style: chr2-74462627-G-C. GRCh37 (hg19) VCF-style: chr2-74689754-G-C.
Other names: c.844C>G, p.Gln282Glu (NM_001146158.2); short protein forms Q282E, Q388E.
Identifiers: ClinVar variation 1051452 (VCV001051452.7), dbSNP rs750125568, ClinGen allele CA1724838.